The following is an entry in ClinVar:

ClinVar aggregate classification (germline): Uncertain significance (1 of 4 stars; one submission).

Conditions:
Congenital contractural arachnodactyly (CCA). Also called: BEALS SYNDROME; Beals-Hecht syndrome; Arthrogryposis, distal, type 9. Identifiers: Orphanet 115, MedGen C0220668, MONDO:0007363, OMIM 121050.

Submission:

Labcorp Genetics (formerly Invitae), Labcorp
Classification: Uncertain significance for Congenital contractural arachnodactyly. Last evaluated: 2023-04-07. Review status: criteria provided, single submitter. Criteria: Invitae Variant Classification Sherloc (09022015). Collection method: clinical testing. Allele origin: germline.
Comment: In summary, the available evidence is currently insufficient to determine the role of this variant in disease. Therefore, it has been classified as a Variant of Uncertain Significance. Advanced modeling of protein sequence and biophysical properties (such as structural, functional, and spatial information, amino acid conservation, physicochemical variation, residue mobility, and thermodynamic stability) performed at Invitae indicates that this missense variant is not expected to disrupt FBN2 protein function. This missense change has been observed in individual(s) with thoracic aortic aneurysm and dissection (Invitae). This variant is not present in population databases (gnomAD no frequency). This sequence change replaces isoleucine, which is neutral and non-polar, with phenylalanine, which is neutral and non-polar, at codon 1815 of the FBN2 protein (p.Ile1815Phe).

NM_001999.4(FBN2):c.5443A>T (p.Ile1815Phe)

Gene: FBN2 (fibrillin 2; minus strand). Cytogenetic location: 5q23.3.
Variant type: single nucleotide variant.
Coding change: c.5443A>T on transcript NM_001999.4 (MANE Select); coding-DNA position 5443, A replaced by T.
Protein change: p.Ile1815Phe; replaces isoleucine 1815 with phenylalanine.
Molecular consequence: missense variant.
Genome position (GRCh38, 1-based): chr5:128,305,928, T>A on the plus strand (A>T on the coding strand, the complement: FBN2 is on the minus strand). VCF-style: chr5-128305928-T-A. GRCh37 (hg19) VCF-style: chr5-127641620-T-A.
Other names: short protein forms I1815F.
Identifiers: ClinVar variation 2853494 (VCV002853494.3), dbSNP rs774379998, ClinGen allele CA360741447.